The following is an entry in ClinVar:

NM_021813.4(BACH2):c.2386C>G (p.Leu796Val)

Gene: BACH2 (BACH transcriptional regulator 2; minus strand). Cytogenetic location: 6q15.
Variant type: single nucleotide variant.
Coding change: c.2386C>G on transcript NM_021813.4 (MANE Select); coding-DNA position 2386, C replaced by G.
Protein change: p.Leu796Val; replaces leucine 796 with valine.
Molecular consequence: missense variant.
Genome position (GRCh38, 1-based): chr6:89,932,548, G>C on the plus strand (C>G on the coding strand, the complement: BACH2 is on the minus strand). VCF-style: chr6-89932548-G-C. GRCh37 (hg19) VCF-style: chr6-90642267-G-C.
Other names: c.2386C>G, p.Leu796Val (NM_001170794.2); short protein forms L796V.
Identifiers: ClinVar variation 2989040 (VCV002989040.3), dbSNP rs371078442, ClinGen allele CA3927794.

ClinVar aggregate classification (germline): Uncertain significance (1 of 4 stars; one submission).

Allele frequency attached by ClinVar (database versions not stated): gnomAD exomes below 0.00001; 1000 Genomes Project 30x 0.00016; 1000 Genomes Project 0.00020.
gnomAD v4.1: 5 of 1,614,080 alleles (0.00031%); highest among the groups gnomAD compares: South Asian, 0.0055%; 1 homozygote.

Submission:

Labcorp Genetics (formerly Invitae), Labcorp
Classification: Uncertain significance. Last evaluated: 2023-04-06. Review status: criteria provided, single submitter. Criteria: Invitae Variant Classification Sherloc (09022015). Collection method: clinical testing. Allele origin: germline.
Comment: This variant has not been reported in the literature in individuals affected with BACH2-related conditions. Advanced modeling of protein sequence and biophysical properties (such as structural, functional, and spatial information, amino acid conservation, physicochemical variation, residue mobility, and thermodynamic stability) performed at Invitae indicates that this missense variant is not expected to disrupt BACH2 protein function. In summary, the available evidence is currently insufficient to determine the role of this variant in disease. Therefore, it has been classified as a Variant of Uncertain Significance. This variant is present in population databases (rs371078442, gnomAD 0.006%). This sequence change replaces leucine, which is neutral and non-polar, with valine, which is neutral and non-polar, at codon 796 of the BACH2 protein (p.Leu796Val).